The following is an entry in ClinVar:

ClinVar aggregate classification (germline): Uncertain significance (1 of 4 stars; one submission).

gnomAD v4.1: 1 of 1,613,966 alleles (0.000062%); highest among the groups gnomAD compares: Admixed American, 0.0017%; no homozygotes.

Submission:

Labcorp Genetics (formerly Invitae), Labcorp
Classification: Uncertain significance. Last evaluated: 2025-09-14. Review status: criteria provided, single submitter. Criteria: Invitae Variant Classification Sherloc (09022015). Collection method: clinical testing. Allele origin: germline.
Comment: This sequence change replaces threonine, which is neutral and polar, with isoleucine, which is neutral and non-polar, at codon 645 of the C3 protein (p.Thr645Ile). This variant is present in population databases (rs749155929, gnomAD 0.003%). This variant has not been reported in the literature in individuals affected with C3-related conditions. Invitae Evidence Modeling of protein sequence and biophysical properties (such as structural, functional, and spatial information, amino acid conservation, physicochemical variation, residue mobility, and thermodynamic stability) indicates that this missense variant is not expected to disrupt C3 protein function with a negative predictive value of 80%. In summary, the available evidence is currently insufficient to determine the role of this variant in disease. Therefore, it has been classified as a Variant of Uncertain Significance.

NM_000064.4(C3):c.1934C>T (p.Thr645Ile)

Gene: C3 (complement C3; minus strand). Cytogenetic location: 19p13.3.
Variant type: single nucleotide variant.
Coding change: c.1934C>T on transcript NM_000064.4 (MANE Select); coding-DNA position 1934, C replaced by T.
Protein change: p.Thr645Ile; replaces threonine 645 with isoleucine.
Molecular consequence: missense variant.
Genome position (GRCh38, 1-based): chr19:6,707,841, G>A on the plus strand (C>T on the coding strand, the complement: C3 is on the minus strand). VCF-style: chr19-6707841-G-A. GRCh37 (hg19) VCF-style: chr19-6707852-G-A.
Other names: short protein forms T645I.
Identifiers: ClinVar variation 4701513 (VCV004701513.1).